The following is an entry in ClinVar:

ClinVar aggregate classification (germline): Likely benign. Review status: criteria provided, multiple submitters, no conflicts (2 of 4 stars). 5 submissions from 5 submitters: Likely benign (4). 1 of the submissions does not count toward it. Last evaluated 2026-04-01.

Conditions:
PCDH19-related disorder. Also called: PCDH19-related condition.
Inborn genetic diseases. Identifiers: MedGen C0950123, MeSH D030342.
Developmental and epileptic encephalopathy, 9 (DEE9). Also called: EPILEPSY, FEMALE-RESTRICTED, WITH MENTAL RETARDATION; PCDH19-Related X-Linked Female-Limited Epilepsy with Mental Retardation; Early infantile epileptic encephalopathy 9; JUBERG-HELLMAN SYNDROME. Identifiers: Orphanet 101039, Orphanet 2076, MedGen C1848137, MONDO:0010246, OMIM 300088. Disease mechanism: loss of function.

Allele frequency attached by ClinVar (database versions not stated): gnomAD 0.00001; gnomAD exomes 0.00003 and 0.00019; TOPMed 0.00010; ExAC 0.00024.
gnomAD v4.1: 36 of 1,208,654 alleles (0.003%); highest among the groups gnomAD compares: Admixed American, 0.077%; no homozygotes.

Submissions (5):

CeGaT Center for Human Genetics Tuebingen
Classification: Likely benign. Last evaluated: 2026-04-01. Review status: criteria provided, single submitter. Criteria: CeGaT Center For Human Genetics Tuebingen Variant Classification Criteria Version 2. Collection method: clinical testing. Allele origin: germline. Affected: yes. Observed: 2 variant alleles.
Comment: PCDH19: BS2

Labcorp Genetics (formerly Invitae), Labcorp
Classification: Likely benign for Developmental and epileptic encephalopathy, 9. Last evaluated: 2026-01-21. Review status: criteria provided, single submitter. Criteria: Invitae Variant Classification Sherloc (09022015). Collection method: clinical testing. Allele origin: germline.

GeneDx
Classification: Likely benign. Last evaluated: 2021-04-09. Review status: criteria provided, single submitter. Criteria: GeneDx Variant Classification Process June 2021. Collection method: clinical testing. Allele origin: germline. Affected: yes.

Ambry Genetics
Classification: Likely benign for Inborn genetic diseases. Last evaluated: 2017-10-12. Review status: criteria provided, single submitter. Criteria: Ambry Variant Classification Scheme 2023. Collection method: clinical testing. Allele origin: germline.

PreventionGenetics, part of Exact Sciences
Classification: Likely benign for PCDH19-related condition. Last evaluated: 2023-04-09. Review status: no assertion criteria provided. Collection method: clinical testing. Allele origin: germline. Not counted in ClinVar's aggregate classification.
Comment: This variant is classified as likely benign based on ACMG/AMP sequence variant interpretation guidelines (Richards et al. 2015 PMID: 25741868, with internal and published modifications).

NM_001184880.2(PCDH19):c.2024T>G (p.Val675Gly)

Gene: PCDH19 (protocadherin 19; minus strand). Cytogenetic location: Xq22.1.
Variant type: single nucleotide variant.
Coding change: c.2024T>G on transcript NM_001184880.2 (MANE Select); coding-DNA position 2024, T replaced by G.
Protein change: p.Val675Gly; replaces valine 675 with glycine.
Molecular consequence: missense variant.
Genome position (GRCh38, 1-based): chrX:100,406,574, A>C on the plus strand (T>G on the coding strand, the complement: PCDH19 is on the minus strand). VCF-style: chrX-100406574-A-C. GRCh37 (hg19) VCF-style: chrX-99661572-A-C.
Other names: p.V675G:GTG>GGG; c.2024T>G, p.Val675Gly (NM_001105243.2, NM_020766.3); short protein forms V675G.
Identifiers: ClinVar variation 206301 (VCV000206301.21), dbSNP rs780704524, ClinGen allele CA316260.